The following is an entry in ClinVar:

ClinVar aggregate classification (germline): Uncertain significance (1 of 4 stars; one submission).

Submission:

Ambry Genetics
Classification: Uncertain significance. Last evaluated: 2025-01-03. Review status: criteria provided, single submitter. Criteria: Ambry Variant Classification Scheme 2023. Collection method: clinical testing. Allele origin: germline.
Comment: The p.A172S variant (also known as c.514G>T), located in coding exon 1 of the EGLN1 gene, results from a G to T substitution at nucleotide position 514. The alanine at codon 172 is replaced by serine, an amino acid with similar properties. This amino acid position is conserved. In addition, this alteration is predicted to be tolerated by in silico analysis. Based on the available evidence, the clinical significance of this variant remains unclear.

NM_022051.3(EGLN1):c.514G>T (p.Ala172Ser)

Gene: EGLN1 (egl-9 family hypoxia inducible factor 1; minus strand). Cytogenetic location: 1q42.2.
Variant type: single nucleotide variant.
Coding change: c.514G>T on transcript NM_022051.3 (MANE Select); coding-DNA position 514, G replaced by T.
Protein change: p.Ala172Ser; replaces alanine 172 with serine.
Molecular consequence: missense variant.
Genome position (GRCh38, 1-based): chr1:231,421,375, C>A on the plus strand (G>T on the coding strand, the complement: EGLN1 is on the minus strand). VCF-style: chr1-231421375-C-A. GRCh37 (hg19) VCF-style: chr1-231557121-C-A.
Other names: c.514G>T, p.Ala172Ser (NM_001377260.1, NM_001377261.1); short protein forms A172S.
Identifiers: ClinVar variation 3843865 (VCV003843865.1).
Genomic context (GRCh38, chr1:231,421,375, plus strand): 5'-TCAGCGCCGGCAGGGGCTTCGTCTGCCCGTTGGGCCGCAGGCCGCCGCCGGGGCTCAGCG[C>A]ATCCCCGGGCGTGTTGCTTGGGGGGTACAGGTTCGCCTTCTCCTGGAACAGCGATGAGCG-3'
Protein context (NP_071334.1, residues 162-182): LYPPSNTPGD[Ala172Ser]LSPGGGLRPN